The following is an entry in ClinVar:

ClinVar aggregate classification (germline): Likely pathogenic. Review status: criteria provided, single submitter (1 of 4 stars). 2 submissions from 2 submitters: Likely pathogenic (1). 1 of the submissions does not count toward it. Last evaluated 2018-10-15.

Conditions:
Coffin-Siris syndrome 6. Identifiers: MedGen C4540499, MONDO:0033492, OMIM 617808.

Submissions (2):

SIB Swiss Institute of Bioinformatics
Classification: Likely pathogenic for Coffin-Siris syndrome 6. Last evaluated: 2018-10-15. Review status: criteria provided, single submitter. Criteria: ACMG Guidelines, 2015. Collection method: curation. Allele origin: germline.
Comment: This variant is interpreted as Likely Pathogenic, for Coffin-siris syndrome 6, autosomal dominant. The following ACMG Tag(s) were applied: PM2 => Absent from controls (or at extremely low frequency if recessive) in Exome Sequencing Project, 1000 Genomes Project, or Exome Aggregation Consortium. PVS1-Moderate => PVS1 downgraded in strength to Moderate. PM6 => Assumed de novo, but without confirmation of paternity and maternity (PubMed 26238514).

OMIM
Classification: Pathogenic for COFFIN-SIRIS SYNDROME 6. Last evaluated: 2017-12-14. Review status: no assertion criteria provided. Collection method: literature only. Allele origin: germline. Not counted in ClinVar's aggregate classification.

Literature cited by the submitters: PubMed 26238514 (cited by SIB Swiss Institute of Bioinformatics and OMIM).

NM_152641.4(ARID2):c.4318C>T (p.Gln1440Ter)

Gene: ARID2 (AT-rich interaction domain 2; plus strand). Cytogenetic location: 12q12.
Variant type: single nucleotide variant.
Coding change: c.4318C>T on transcript NM_152641.4 (MANE Select); coding-DNA position 4318, C replaced by T.
Protein change: p.Gln1440Ter; replaces glutamine 1440 with a stop codon.
Molecular consequence: nonsense.
Genome position (GRCh38, 1-based): chr12:45,852,441, C>T. VCF-style: chr12-45852441-C-T. GRCh37 (hg19) VCF-style: chr12-46246224-C-T.
Other names: c.4318C>T, p.Gln1440Ter (NM_001347839.2); short protein forms Q1440*.
Identifiers: ClinVar variation 448918 (VCV000448918.2), dbSNP rs772995852, ClinGen allele CA319649.